The following is an entry in ClinVar:

NM_001854.4(COL11A1):c.5031G>A (p.Arg1677=)

Gene: COL11A1 (collagen type XI alpha 1 chain; minus strand). Cytogenetic location: 1p21.1.
Variant type: single nucleotide variant.
Coding change: c.5031G>A on transcript NM_001854.4 (MANE Select); coding-DNA position 5031, G replaced by A.
Protein change: p.Arg1677=; no amino-acid change (arginine 1677 retained).
Molecular consequence: synonymous variant. On other transcripts: non-coding transcript variant (1).
Genome position (GRCh38, 1-based): chr1:102,881,706, C>T on the plus strand (G>A on the coding strand, the complement: COL11A1 is on the minus strand). VCF-style: chr1-102881706-C-T. GRCh37 (hg19) VCF-style: chr1-103347262-C-T.
Other names: c.4683G>A, p.Arg1561= (NM_001168249.1, NM_080630.4); c.4914G>A, p.Arg1638= (NM_001190709.2); c.5067G>A, p.Arg1689= (NM_080629.3); c.5031G>A (NM_001854.3).
Identifiers: ClinVar variation 2017711 (VCV002017711.5), dbSNP rs1650264976, ClinGen allele CA419253520.

ClinVar aggregate classification (germline): Likely benign. Review status: criteria provided, multiple submitters, no conflicts (2 of 4 stars). 2 submissions from 2 submitters: Likely benign (2). Last evaluated 2026-08-11.

Conditions:
COL11A1-related disorder. Also called: COL11A1-related condition; COL11A1-related disorders.

Allele frequency attached by ClinVar (database versions not stated): gnomAD exomes below 0.00001; TOPMed 0.00001.
gnomAD v4.1: 1 of 1,611,998 alleles (0.000062%); highest among the groups gnomAD compares: Non-Finnish European, 0.000085%; no homozygotes.

Submissions (2):

PreventionGenetics, part of Exact Sciences
Classification: Likely benign for COL11A1-related condition. Last evaluated: 2026-08-11. Review status: criteria provided, single submitter. Criteria: ACMG Guidelines, 2015. Collection method: clinical testing. Allele origin: germline.
Comment: This variant is classified as likely benign based on ACMG/AMP sequence variant interpretation guidelines (Richards et al. 2015 PMID: 25741868, with internal and published modifications).

Labcorp Genetics (formerly Invitae), Labcorp
Classification: Likely benign. Last evaluated: 2022-07-16. Review status: criteria provided, single submitter. Criteria: Invitae Variant Classification Sherloc (09022015). Collection method: clinical testing. Allele origin: germline.